The following is an entry in ClinVar:

NM_001048174.2(MUTYH):c.20C>A (p.Ala7Asp)

Gene: MUTYH (mutY DNA glycosylase; minus strand). Cytogenetic location: 1p34.1.
Variant type: single nucleotide variant.
Coding change: c.20C>A on transcript NM_001048174.2 (MANE Select); coding-DNA position 20, C replaced by A.
Protein change: p.Ala7Asp; replaces alanine 7 with aspartic acid.
Molecular consequence: missense variant. On other transcripts: 5 prime UTR variant (7), non-coding transcript variant (7).
Genome position (GRCh38, 1-based): chr1:45,334,486, G>T on the plus strand (C>A on the coding strand, the complement: MUTYH is on the minus strand). VCF-style: chr1-45334486-G-T. GRCh37 (hg19) VCF-style: chr1-45800158-G-T.
Other names: c.20C>A, p.Ala7Asp (NM_001407088.1, NM_001407089.1, NM_001048171.2 and 15 more transcripts); c.-193C>A (NM_001407091.1, NM_001293192.2, NM_001293196.2); c.62C>A, p.Ala21Asp (NM_012222.3, NM_001128425.2, NM_001293190.2 and 2 more transcripts); c.-252C>A (NM_001350650.2); c.-188C>A (NM_001350651.2, NM_001407082.1); c.-137C>A (NM_001407075.1); c.38C>A, p.Ala13Asp (NM_001407087.1); short protein forms A21D, A7D, A13D.
Identifiers: ClinVar variation 4113777 (VCV004113777.1).

ClinVar aggregate classification (germline): Uncertain significance (1 of 4 stars; one submission).

Conditions:
Hereditary cancer-predisposing syndrome. Also called: Hereditary neoplastic syndrome; Neoplastic Syndromes, Hereditary; Tumor predisposition; Hereditary Cancer Syndrome. Identifiers: Orphanet 140162, MedGen C0027672, MeSH D009386, MONDO:0015356.

Submission:

Ambry Genetics
Classification: Uncertain significance for Hereditary cancer-predisposing syndrome. Last evaluated: 2025-08-27. Review status: criteria provided, single submitter. Criteria: Ambry Variant Classification Scheme 2023. Collection method: clinical testing. Allele origin: germline.
Comment: The p.A21D variant (also known as c.62C>A), located in coding exon 2 of the MUTYH gene, results from a C to A substitution at nucleotide position 62. The alanine at codon 21 is replaced by aspartic acid, an amino acid with dissimilar properties. This amino acid position is conserved. In addition, this alteration is predicted to be tolerated by in silico analysis. Based on the available evidence, the clinical significance of this variant remains unclear.